The following is an entry in ClinVar:

NM_001008537.3(NEXMIF):c.3551G>A (p.Ser1184Asn)

Gene: NEXMIF (neurite extension and migration factor; minus strand). Cytogenetic location: Xq13.3.
Variant type: single nucleotide variant.
Coding change: c.3551G>A on transcript NM_001008537.3 (MANE Select); coding-DNA position 3551, G replaced by A.
Protein change: p.Ser1184Asn; replaces serine 1184 with asparagine.
Molecular consequence: missense variant.
Genome position (GRCh38, 1-based): chrX:74,741,006, C>T on the plus strand (G>A on the coding strand, the complement: NEXMIF is on the minus strand). VCF-style: chrX-74741006-C-T. GRCh37 (hg19) VCF-style: chrX-73960841-C-T.
Other names: short protein forms S1184N.
Identifiers: ClinVar variation 5000832 (VCV005000832.1).

ClinVar aggregate classification (germline): Uncertain significance (1 of 4 stars; one submission).

Conditions:
NEXMIF-related disorder. Also called: NEXMIF-related condition.

gnomAD v4.1: 1 of 1,211,616 alleles (0.000083%); highest among the groups gnomAD compares: South Asian, 0.0018%; no homozygotes.

Submission:

PreventionGenetics, part of Exact Sciences
Classification: Uncertain significance for NEXMIF-related condition. Last evaluated: 2025-06-11. Review status: criteria provided, single submitter. Criteria: ACMG Guidelines, 2015. Collection method: clinical testing. Allele origin: germline.
Comment: The NEXMIF c.3551G>A variant is predicted to result in the amino acid substitution p.Ser1184Asn. To our knowledge, this variant has not been reported in the literature. This variant is reported in 0.0072% of alleles in individuals of East Asian descent in gnomAD. At this time, the clinical significance of this variant is uncertain due to the absence of conclusive functional and genetic evidence.